The following is an entry in ClinVar:

ClinVar aggregate classification (germline): Uncertain significance (1 of 4 stars; one submission).

Conditions:
Charcot-Marie-Tooth disease type 4. Also called: Charcot-Marie-Tooth disease, type IV; Charcot-Marie-Tooth, Type 4. Identifiers: Orphanet 64749, MedGen C4082197, MONDO:0018995.

Allele frequency attached by ClinVar (database versions not stated): gnomAD exomes below 0.00001; gnomAD 0.00001.
gnomAD v4.1: 2 of 1,613,918 alleles (0.00012%); highest among the groups gnomAD compares: African/African-American, 0.0027%; no homozygotes.

Submission:

Labcorp Genetics (formerly Invitae), Labcorp
Classification: Uncertain significance for Charcot-Marie-Tooth disease type 4. Last evaluated: 2022-08-20. Review status: criteria provided, single submitter. Criteria: Invitae Variant Classification Sherloc (09022015). Collection method: clinical testing. Allele origin: germline.
Comment: In summary, the available evidence is currently insufficient to determine the role of this variant in disease. Therefore, it has been classified as a Variant of Uncertain Significance. Algorithms developed to predict the effect of missense changes on protein structure and function are either unavailable or do not agree on the potential impact of this missense change (SIFT: "Tolerated"; PolyPhen-2: "Possibly Damaging"; Align-GVGD: "Class C0"). This variant has not been reported in the literature in individuals affected with PRX-related conditions. This variant is present in population databases (no rsID available, gnomAD 0.01%). This sequence change replaces threonine, which is neutral and polar, with serine, which is neutral and polar, at codon 395 of the PRX protein (p.Thr395Ser).

NM_181882.3(PRX):c.1183A>T (p.Thr395Ser)

Gene: PRX (periaxin; minus strand). Cytogenetic location: 19q13.2.
Variant type: single nucleotide variant.
Coding change: c.1183A>T on transcript NM_181882.3 (MANE Select); coding-DNA position 1183, A replaced by T.
Protein change: p.Thr395Ser; replaces threonine 395 with serine.
Molecular consequence: missense variant. On other transcripts: 3 prime UTR variant (1).
Genome position (GRCh38, 1-based): chr19:40,397,169, T>A on the plus strand (A>T on the coding strand, the complement: PRX is on the minus strand). VCF-style: chr19-40397169-T-A. GRCh37 (hg19) VCF-style: chr19-40903076-T-A.
Other names: c.1468A>T, p.Thr490Ser (NM_001411127.1); c.*1388A>T (NM_020956.2); short protein forms T395S, T490S.
Identifiers: ClinVar variation 2155327 (VCV002155327.4), dbSNP rs923511245, ClinGen allele CA308421022.